The following is an entry in ClinVar:

ClinVar aggregate classification (germline): Uncertain significance. Review status: criteria provided, multiple submitters, no conflicts (2 of 4 stars). 4 submissions from 4 submitters: Uncertain significance (4). Last evaluated 2024-10-02.

Conditions:
Familial sleep-related hypermotor epilepsy. Also called: Autosomal Dominant Sleep-Related Hypermotor (Hyperkinetic) Epilepsy. Identifiers: Orphanet 98784, MedGen C3696898, MONDO:0000030.
Autosomal dominant nocturnal frontal lobe epilepsy 4. Also called: EPILEPSY, FAMILIAL, WITH NOCTURNAL WANDERING AND ICTAL FEAR; CHRNA2-Related Nocturnal Frontal Lobe Epilepsy, Autosomal Dominant. Identifiers: Orphanet 98784, MedGen C1835905, MONDO:0012474, OMIM 610353.

Allele frequency attached by ClinVar (database versions not stated): TOPMed 0.00006.

Submissions (4):

Labcorp Genetics (formerly Invitae), Labcorp
Classification: Uncertain significance. Last evaluated: 2024-10-02. Review status: criteria provided, single submitter. Criteria: Invitae Variant Classification Sherloc (09022015). Collection method: clinical testing. Allele origin: germline.
Comment: This sequence change creates a premature translational stop signal (p.Leu41Serfs*44) in the CHRNA2 gene. It is expected to result in an absent or disrupted protein product. However, the current clinical and genetic evidence is not sufficient to establish whether loss-of-function variants in CHRNA2 cause disease. This variant is not present in population databases (gnomAD no frequency). This variant has not been reported in the literature in individuals affected with CHRNA2-related conditions. ClinVar contains an entry for this variant (Variation ID: 204987). In summary, the available evidence is currently insufficient to determine the role of this variant in disease. Therefore, it has been classified as a Variant of Uncertain Significance.

Baylor Genetics
Classification: Uncertain significance for Autosomal dominant nocturnal frontal lobe epilepsy 4. Last evaluated: 2022-09-09. Review status: criteria provided, single submitter. Criteria: ACMG Guidelines, 2015. Collection method: clinical testing. Allele origin: unknown.

Athena Diagnostics
Classification: Uncertain significance. Last evaluated: 2019-01-08. Review status: criteria provided, single submitter. Criteria: Athena Diagnostics Criteria. Collection method: clinical testing. Allele origin: germline.

GeneDx
Classification: Uncertain significance. Last evaluated: 2014-01-10. Review status: criteria provided, single submitter. Criteria: GeneDx Variant Classification (06012015). Collection method: clinical testing. Allele origin: germline. Affected: yes.
Comment: c.121delC: p.Leu41SerfsX44 (L41SfsX44) in exon 3 of the CHRNA2 gene (NM_000742.3). The normal sequence with the base deleted in brackets is: ACCCA[C]TCTCCT. The c.121delC variant in the CHRNA2 gene has not been published as a mutation, nor has it been reported as a benign polymorphism to our knowledge. This variant causes a frameshift starting with codon Leucine 41, changes this amino acid to a Serine residue and creates a premature Stop codon at position 44 of the new reading frame, denoted p.Leu41SerfsX44. This variant is predicted to causes loss of normal protein function either through protein truncation or nonsense-mediated mRNA decay. However, to our knowledge, all reported epilepsy-related CHRNA2 mutations have been missense substitutions within the transmembrane region of the protein. To date, frameshift mutations have not been reported to cause a CHRNA2-related epilepsy disorder. Therefore, based on the currently available information, it is unclear whether c.121delC is a disease-causing mutation or a rare benign variant. The variant is found in EPILEPSY panel(s).

NM_000742.4(CHRNA2):c.121del (p.Leu41fs)

Gene: CHRNA2 (cholinergic receptor nicotinic alpha 2 subunit; minus strand). Cytogenetic location: 8p21.2.
Variant type: Deletion.
Coding change: c.121del on transcript NM_000742.4 (MANE Select); coding-DNA position 121, one base deleted (C; older notation c.121delC).
Protein change: p.Leu41fs; shifts the reading frame from leucine 41.
Molecular consequence: frameshift variant. On other transcripts: 5 prime UTR variant (4).
Genome position (GRCh38, 1-based): chr8:27,469,934, G deleted on the plus strand (C on the coding strand, the reverse complement: CHRNA2 is on the minus strand). VCF-style (leftmost placement, unchanged base first): chr8-27469933-AG-A. GRCh37 (hg19) VCF-style: chr8-27327450-AG-A.
Other names: c.121del, p.Leu41fs (NM_001282455.2); c.-307del (NM_001347705.2); c.-352del (NM_001347706.2); c.-293del (NM_001347707.2); c.-341del (NM_001347708.2); c.121del (NM_000742.3); short protein forms L41fs.
Identifiers: ClinVar variation 204987 (VCV000204987.6), dbSNP rs796052310, ClinGen allele CA313495.